The following is an entry in ClinVar:

NM_025114.4(CEP290):c.1484A>G (p.Asp495Gly)

Gene: CEP290 (centrosomal protein 290; minus strand). Cytogenetic location: 12q21.32.
Variant type: single nucleotide variant.
Coding change: c.1484A>G on transcript NM_025114.4 (MANE Select); coding-DNA position 1484, A replaced by G.
Protein change: p.Asp495Gly; replaces aspartic acid 495 with glycine.
Molecular consequence: missense variant.
Genome position (GRCh38, 1-based): chr12:88,120,152, T>C on the plus strand (A>G on the coding strand, the complement: CEP290 is on the minus strand). VCF-style: chr12-88120152-T-C. GRCh37 (hg19) VCF-style: chr12-88513929-T-C.
Other names: c.1484A>G (NM_025114.3); short protein forms D495G.
Identifiers: ClinVar variation 1507373 (VCV001507373.6), dbSNP rs1228969929, ClinGen allele CA385979800.

ClinVar aggregate classification (germline): Uncertain significance. Review status: criteria provided, multiple submitters, no conflicts (2 of 4 stars). 2 submissions from 2 submitters: Uncertain significance (2). Last evaluated 2026-08-16.

Conditions:
Nephronophthisis. Also called: Juvenile Nephronophthisis. Identifiers: Orphanet 655, MedGen C0687120, MONDO:0019005, HP:0000090.
Joubert syndrome. Also called: Familial aplasia of the vermis; JOUBERT-BOLTSHAUSER SYNDROME. Identifiers: Orphanet 475, MedGen C5979921, MONDO:0018772.
Meckel-Gruber syndrome. Also called: Dysencephalia splachnocystica; DYSENCEPHALIA SPLANCHNOCYSTICA; GRUBER SYNDROME. Identifiers: Orphanet 564, MedGen C0265215, MONDO:0018921.
CEP290-related disorder. Also called: CEP290-related disorders; CEP290-related condition. Identifiers: MedGen CN239314.

Allele frequency attached by ClinVar (database versions not stated): gnomAD exomes below 0.00001 and 0.00001; TOPMed below 0.00001.
gnomAD v4.1: 5 of 1,543,080 alleles (0.00032%); highest among the groups gnomAD compares: Non-Finnish European, 0.00044%; no homozygotes.

Submissions (2):

PreventionGenetics, part of Exact Sciences
Classification: Uncertain significance for CEP290-related condition. Last evaluated: 2026-08-16. Review status: criteria provided, single submitter. Criteria: ACMG Guidelines, 2015. Collection method: clinical testing. Allele origin: germline.
Comment: The CEP290 c.1484A>G variant is predicted to result in the amino acid substitution p.Asp495Gly. To our knowledge, this variant has not been reported in the literature. This variant is reported in 0.0015% of alleles in individuals of European (Non-Finnish) descent in gnomAD. At this time, the clinical significance of this variant is uncertain due to the absence of conclusive functional and genetic evidence.

Labcorp Genetics (formerly Invitae), Labcorp
Classification: Uncertain significance for Joubert syndrome; Meckel-Gruber syndrome; Nephronophthisis. Last evaluated: 2021-09-24. Review status: criteria provided, single submitter. Criteria: Invitae Variant Classification Sherloc (09022015). Collection method: clinical testing. Allele origin: germline.
Comment: This sequence change replaces aspartic acid with glycine at codon 495 of the CEP290 protein (p.Asp495Gly). The aspartic acid residue is moderately conserved and there is a moderate physicochemical difference between aspartic acid and glycine. This variant is not present in population databases (ExAC no frequency). This variant has not been reported in the literature in individuals with CEP290-related conditions. Algorithms developed to predict the effect of missense changes on protein structure and function are either unavailable or do not agree on the potential impact of this missense change (SIFT: "Deleterious"; PolyPhen-2: "Benign"; Align-GVGD: "Class C0"). In summary, the available evidence is currently insufficient to determine the role of this variant in disease. Therefore, it has been classified as a Variant of Uncertain Significance.